The following is an entry in ClinVar:

NM_001367624.2(ZNF469):c.6978C>G (p.His2326Gln)

Gene: ZNF469 (zinc finger protein 469; plus strand). Cytogenetic location: 16q24.2.
Variant type: single nucleotide variant.
Coding change: c.6978C>G on transcript NM_001367624.2 (MANE Select); coding-DNA position 6978, C replaced by G.
Protein change: p.His2326Gln; replaces histidine 2326 with glutamine.
Molecular consequence: missense variant.
Genome position (GRCh38, 1-based): chr16:88,434,448, C>G. VCF-style: chr16-88434448-C-G. GRCh37 (hg19) VCF-style: chr16-88500856-C-G.
Other names: NM_001127464.1:c.6894C>G; short protein forms H2326Q.
Identifiers: ClinVar variation 432732 (VCV000432732.9), dbSNP rs185282301, ClinGen allele CA8225201.
Genomic context (GRCh38, chr16:88,434,448, plus strand): 5'-AGACCCCCAGAGCAGGGGAGCCCCGCCCCACACCAACCCTGACAGGATGCCCAGGGGCCA[C>G]TCCTCGTATTCTCCAAGCAATACTGCCCGCCTCGGCCACAGGGAGGGCCAGGCTGTCACA-3'
Protein context (NP_001354553.1, residues 2316-2336): HTNPDRMPRG[His2326Gln]SSYSPSNTAR

ClinVar aggregate classification (germline): Conflicting classifications of pathogenicity. Review status: criteria provided, conflicting classifications (1 of 4 stars). 3 submissions from 3 submitters: Uncertain significance (2); Likely benign (1). Last evaluated 2022-08-23.

Conditions:
Cardiovascular phenotype. Identifiers: MedGen CN230736.

Allele frequency attached by ClinVar (database versions not stated): TOPMed 0.00045; 1000 Genomes Project 0.00140; 1000 Genomes Project 30x 0.00156.
gnomAD v4.1: 122 of 1,549,594 alleles (0.0079%); highest among the groups gnomAD compares: African/African-American, 0.13%; no homozygotes.

Submissions (3):

Labcorp Genetics (formerly Invitae), Labcorp
Classification: Uncertain significance. Last evaluated: 2022-08-23. Review status: criteria provided, single submitter. Criteria: Invitae Variant Classification Sherloc (09022015). Collection method: clinical testing. Allele origin: germline.
Comment: This sequence change replaces histidine, which is basic and polar, with glutamine, which is neutral and polar, at codon 2298 of the ZNF469 protein (p.His2298Gln). This variant is present in population databases (rs185282301, gnomAD 0.1%). This variant has not been reported in the literature in individuals affected with ZNF469-related conditions. ClinVar contains an entry for this variant (Variation ID: 432732). Algorithms developed to predict the effect of missense changes on protein structure and function output the following: SIFT: "Tolerated"; PolyPhen-2: "Benign"; Align-GVGD: "Class C0". The glutamine amino acid residue is found in multiple mammalian species, which suggests that this missense change does not adversely affect protein function. In summary, the available evidence is currently insufficient to determine the role of this variant in disease. Therefore, it has been classified as a Variant of Uncertain Significance.

Ambry Genetics
Classification: Likely benign for Cardiovascular phenotype. Last evaluated: 2022-01-18. Review status: criteria provided, single submitter. Criteria: Ambry Variant Classification Scheme 2023. Collection method: clinical testing. Allele origin: germline.

GeneDx
Classification: Uncertain significance. Last evaluated: 2021-12-17. Review status: criteria provided, single submitter. Criteria: GeneDx Variant Classification Process June 2021. Collection method: clinical testing. Allele origin: germline. Affected: yes.
Comment: In silico analysis supports that this missense variant does not alter protein structure/function; Has not been previously published as pathogenic or benign to our knowledge